The following is an entry in ClinVar:

NM_001182.5(ALDH7A1):c.193-20C>T

Gene: ALDH7A1 (aldehyde dehydrogenase 7 family member A1; minus strand). Cytogenetic location: 5q23.2.
Variant type: single nucleotide variant.
Coding change: c.193-20C>T on transcript NM_001182.5 (MANE Select); 20 bases into the intron before coding-DNA position 193, C replaced by T.
Molecular consequence: intron variant.
Genome position (GRCh38, 1-based): chr5:126,593,424, G>A on the plus strand (C>T on the coding strand, the complement: ALDH7A1 is on the minus strand). VCF-style: chr5-126593424-G-A. GRCh37 (hg19) VCF-style: chr5-125929116-G-A.
Other names: c.193-20C>T (NM_001202404.2); c.109-20C>T (NM_001201377.2).
Identifiers: ClinVar variation 136369 (VCV000136369.10), dbSNP rs199762757, ClinGen allele CA289406.

ClinVar aggregate classification (germline): Benign/Likely benign. Review status: criteria provided, multiple submitters, no conflicts (2 of 4 stars). 4 submissions from 4 submitters: Benign (2); Likely benign (2). Last evaluated 2026-01-25.

Conditions:
Pyridoxine-dependent epilepsy (EPEO4). Also called: PYRIDOXINE DEPENDENCY WITH SEIZURES; Pyridoxine-Dependent Epilepsy - ALDH7A1; EPILEPSY, EARLY-ONSET, 4, VITAMIN B6-DEPENDENT; Pyridoxine-Dependent Seizures. Identifiers: Orphanet 3006, MedGen C1849508, MONDO:0009945, OMIM 266100. Disease mechanism: loss of function.

Allele frequency attached by ClinVar (database versions not stated): ESP Exome Variant Server 0.00008; ExAC 0.00012; gnomAD exomes 0.00018; 1000 Genomes Project 0.00060; 1000 Genomes Project 30x 0.00062.
gnomAD v4.1: 334 of 1,613,716 alleles (0.021%); highest among the groups gnomAD compares: Admixed American, 0.082%; no homozygotes.

Submissions (4):

Labcorp Genetics (formerly Invitae), Labcorp
Classification: Likely benign for Pyridoxine-dependent epilepsy. Last evaluated: 2026-01-25. Review status: criteria provided, single submitter. Criteria: Invitae Variant Classification Sherloc (09022015). Collection method: clinical testing. Allele origin: germline.

Blueprint Genetics
Classification: Likely benign. Last evaluated: 2024-11-08. Review status: criteria provided, single submitter. Criteria: ACMG Guidelines, 2015. Collection method: clinical testing. Allele origin: germline.

Genome-Nilou Lab
Classification: Benign for Pyridoxine-dependent epilepsy. Last evaluated: 2023-04-11. Review status: criteria provided, single submitter. Criteria: ACMG Guidelines, 2015. Collection method: clinical testing. Allele origin: germline. Affected: no.

GeneDx
Classification: Benign. Last evaluated: 2014-03-10. Review status: criteria provided, single submitter. Criteria: GeneDx Variant Classification (06012015). Collection method: clinical testing. Allele origin: germline. Affected: yes.
Comment: This variant is considered likely benign or benign based on one or more of the following criteria: it is a conservative change, it occurs at a poorly conserved position in the protein, it is predicted to be benign by multiple in silico algorithms, and/or has population frequency not consistent with disease.